The following is an entry in ClinVar:

NM_003846.3(PEX11B):c.192A>G (p.Ser64=)

Gene: PEX11B (peroxisomal biogenesis factor 11 beta; minus strand). Cytogenetic location: 1q21.1.
Variant type: single nucleotide variant.
Coding change: c.192A>G on transcript NM_003846.3 (MANE Select); coding-DNA position 192, A replaced by G.
Protein change: p.Ser64=; no amino-acid change (serine 64 retained).
Molecular consequence: synonymous variant. On other transcripts: non-coding transcript variant (3).
Genome position (GRCh38, 1-based): chr1:145,916,999, T>C on the plus strand (A>G on the coding strand, the complement: PEX11B is on the minus strand). VCF-style: chr1-145916999-T-C. GRCh37 (hg19) VCF-style: chr1-145518090-A-G.
Other names: c.150A>G, p.Ser50= (NM_001184795.1); c.192A>G (NM_003846.2).
Identifiers: ClinVar variation 595002 (VCV000595002.7), dbSNP rs781844151, ClinGen allele CA1055543.
Genomic context (GRCh38, chr1:145,916,999, plus strand): 5'-GAATCTCAGGACAACATCTGATAGGTGAACAGCTCTTTTGGCTGACTCAAGGGCATCTGC[T>C]GAGTTACCCAGGCGTAGAACTTGTGGAGATTAGAAAGGGAAAGCAAGGATTTGTAAGTGG-3'
Protein context (NP_003837.1, residues 54-74): LGRKLLRLGN[Ser64=]ADALESAKRA

ClinVar aggregate classification (germline): Uncertain significance. Review status: criteria provided, single submitter (1 of 4 stars). 2 submissions from 2 submitters: Uncertain significance (1). 1 of the submissions does not count toward it. Last evaluated 2017-11-14.

Conditions:
PEX11B-related disorder. Also called: PEX11B-related condition.

Allele frequency attached by ClinVar (database versions not stated): gnomAD 0.00001; gnomAD exomes 0.00001 and 0.00002; TOPMed 0.00001; ExAC 0.00002.

Submissions (2):

Eurofins Ntd Llc (ga)
Classification: Uncertain significance. Last evaluated: 2017-11-14. Review status: criteria provided, single submitter. Criteria: EGL Classification Definitions 2015. Collection method: clinical testing. Allele origin: germline. Observed: 1 variant allele, 1 heterozygote.

PreventionGenetics, part of Exact Sciences
Classification: Likely benign for PEX11B-related condition. Last evaluated: 2022-07-06. Review status: no assertion criteria provided. Collection method: clinical testing. Allele origin: germline. Not counted in ClinVar's aggregate classification.
Comment: This variant is classified as likely benign based on ACMG/AMP sequence variant interpretation guidelines (Richards et al. 2015 PMID: 25741868, with internal and published modifications).